The following is an entry in ClinVar:

NM_006343.3(MERTK):c.637G>A (p.Ala213Thr)

Gene: MERTK (MER proto-oncogene, tyrosine kinase; plus strand). Cytogenetic location: 2q13.
Variant type: single nucleotide variant.
Coding change: c.637G>A on transcript NM_006343.3 (MANE Select); coding-DNA position 637, G replaced by A.
Protein change: p.Ala213Thr; replaces alanine 213 with threonine.
Molecular consequence: missense variant.
Genome position (GRCh38, 1-based): chr2:111,947,447, G>A. VCF-style: chr2-111947447-G-A. GRCh37 (hg19) VCF-style: chr2-112705024-G-A.
Other names: short protein forms A213T.
Identifiers: ClinVar variation 1381002 (VCV001381002.7), dbSNP rs1684980352, ClinGen allele CA348229066.

ClinVar aggregate classification (germline): Uncertain significance (1 of 4 stars; one submission).

Allele frequency attached by ClinVar (database versions not stated): gnomAD exomes below 0.00001.
gnomAD v4.1: 5 of 1,614,108 alleles (0.00031%); highest among the groups gnomAD compares: Non-Finnish European, 0.00034%; no homozygotes.

Submission:

Labcorp Genetics (formerly Invitae), Labcorp
Classification: Uncertain significance. Last evaluated: 2022-03-10. Review status: criteria provided, single submitter. Criteria: Invitae Variant Classification Sherloc (09022015). Collection method: clinical testing. Allele origin: germline.
Comment: This sequence change replaces alanine, which is neutral and non-polar, with threonine, which is neutral and polar, at codon 213 of the MERTK protein (p.Ala213Thr). This variant is not present in population databases (gnomAD no frequency). This variant has not been reported in the literature in individuals affected with MERTK-related conditions. Algorithms developed to predict the effect of missense changes on protein structure and function (SIFT, PolyPhen-2, Align-GVGD) all suggest that this variant is likely to be disruptive. In summary, the available evidence is currently insufficient to determine the role of this variant in disease. Therefore, it has been classified as a Variant of Uncertain Significance.